The following is an entry in ClinVar:

ClinVar aggregate classification (germline): Uncertain significance (1 of 4 stars; one submission).

gnomAD v4.1: 8 of 1,510,418 alleles (0.00053%); highest among the groups gnomAD compares: Admixed American, 0.0018%; no homozygotes.

Submission:

Labcorp Genetics (formerly Invitae), Labcorp
Classification: Uncertain significance. Last evaluated: 2024-09-29. Review status: criteria provided, single submitter. Criteria: Invitae Variant Classification Sherloc (09022015). Collection method: clinical testing. Allele origin: germline.
Comment: This sequence change falls in intron 16 of the KIF2A gene. It does not directly change the encoded amino acid sequence of the KIF2A protein. It affects a nucleotide within the consensus splice site. This variant is present in population databases (no rsID available, gnomAD 0.004%). This variant has not been reported in the literature in individuals affected with KIF2A-related conditions. Variants that disrupt the consensus splice site are a relatively common cause of aberrant splicing (PMID: 17576681, 9536098). Algorithms developed to predict the effect of sequence changes on RNA splicing suggest that this variant is not likely to affect RNA splicing. In summary, the available evidence is currently insufficient to determine the role of this variant in disease. Therefore, it has been classified as a Variant of Uncertain Significance.

Literature cited by the submitters: PubMed 17576681; PubMed 9536098.

NM_001098511.3(KIF2A):c.1646+4T>C

Gene: KIF2A (kinesin family member 2A; plus strand). Cytogenetic location: 5q12.1.
Variant type: single nucleotide variant.
Coding change: c.1646+4T>C on transcript NM_001098511.3 (MANE Select); 4 bases into the intron after coding-DNA position 1646, T replaced by C.
Molecular consequence: intron variant.
Genome position (GRCh38, 1-based): chr5:62,366,485, T>C. VCF-style: chr5-62366485-T-C. GRCh37 (hg19) VCF-style: chr5-61662312-T-C.
Other names: c.1565+4T>C (NM_001243952.2); c.1646+4T>C (NM_004520.5); c.1589+4T>C (NM_001243953.2).
Identifiers: ClinVar variation 3622684 (VCV003622684.2).
Genomic context (GRCh38, chr5:62,366,485, plus strand): 5'-CTCTCCAGGAATGGCATCCTGTGAAAATACTCTTAATACATTAAGATATGCAAATAGGTA[T>C]GAGAGATAGTTCTCCATTTTGAAATTTGAGGGGAGTACAGCAGTACATAGTATAATTTAA-3'